The following is an entry in ClinVar:

ClinVar aggregate classification (germline): Uncertain significance (1 of 4 stars; one submission).

Allele frequency attached by ClinVar (database versions not stated): gnomAD exomes 0.00001.
gnomAD v4.1: 8 of 1,614,160 alleles (0.0005%); highest among the groups gnomAD compares: East Asian, 0.0022%; no homozygotes.

Submission:

Labcorp Genetics (formerly Invitae), Labcorp
Classification: Uncertain significance. Last evaluated: 2022-07-01. Review status: criteria provided, single submitter. Criteria: Invitae Variant Classification Sherloc (09022015). Collection method: clinical testing. Allele origin: germline.
Comment: This variant is not present in population databases (gnomAD no frequency). This sequence change replaces asparagine, which is neutral and polar, with serine, which is neutral and polar, at codon 372 of the FLNB protein (p.Asn372Ser). This variant has not been reported in the literature in individuals affected with FLNB-related conditions. Advanced modeling of protein sequence and biophysical properties (such as structural, functional, and spatial information, amino acid conservation, physicochemical variation, residue mobility, and thermodynamic stability) performed at Invitae indicates that this missense variant is not expected to disrupt FLNB protein function. In summary, the available evidence is currently insufficient to determine the role of this variant in disease. Therefore, it has been classified as a Variant of Uncertain Significance.

NM_001457.4(FLNB):c.1115A>G (p.Asn372Ser)

Gene: FLNB (filamin B; plus strand). Cytogenetic location: 3p14.3.
Variant type: single nucleotide variant.
Coding change: c.1115A>G on transcript NM_001457.4 (MANE Select); coding-DNA position 1115, A replaced by G.
Protein change: p.Asn372Ser; replaces asparagine 372 with serine.
Molecular consequence: missense variant.
Genome position (GRCh38, 1-based): chr3:58,097,945, A>G. VCF-style: chr3-58097945-A-G. GRCh37 (hg19) VCF-style: chr3-58083672-A-G.
Other names: c.1115A>G, p.Asn372Ser (NM_001164317.2, NM_001164318.2, NM_001164319.2); short protein forms N372S.
Identifiers: ClinVar variation 1939671 (VCV001939671.5), dbSNP rs2471050787, ClinGen allele CA353335840.